The following is an entry in ClinVar:

ClinVar aggregate classification (germline): Likely pathogenic (1 of 4 stars; one submission).

Conditions:
Deficiency of alpha-mannosidase (MANSA). Also called: Alpha-Mannosidosis; Mannosidosis, alpha-, types I and II; LYSOSOMAL ALPHA-D-MANNOSIDASE DEFICIENCY. Identifiers: Orphanet 61, MedGen C0024748, MONDO:0009561, OMIM 248500.

Submission:

Natera, Inc.
Classification: Likely pathogenic for Alpha-mannosidosis. Last evaluated: 2026-01-15. Review status: criteria provided, single submitter. Criteria: Natera Variant Classification Schema (03/2026). Collection method: clinical testing. Allele origin: germline.
Comment: The c.802_803delTG variant in MAN2B1 is a frameshift variant predicted to shift the reading frame beginning at codon 268 and leads to a stop codon 55 codons downstream. This variant is expected to result in nonsense mediated decay, truncation, or a dysfunctional protein product. This variant is rare in the general population with a frequency below the threshold expected for the associated phenotype(s). Given the available evidence, this variant is classified as Likely Pathogenic.

NM_000528.4(MAN2B1):c.802_803del (p.Cys268fs)

Gene: MAN2B1 (mannosidase alpha class 2B member 1; minus strand). Cytogenetic location: 19p13.13.
Variant type: Microsatellite.
Coding change: c.802_803del on transcript NM_000528.4 (MANE Select); coding-DNA positions 802 to 803, 2 bases deleted (TG; older notation c.802_803delTG).
Protein change: p.Cys268fs; shifts the reading frame from cysteine 268.
Molecular consequence: frameshift variant.
Genome position (GRCh38, 1-based): chr19:12,663,423-12,663,424, CA deleted on the plus strand (TG on the coding strand, the reverse complement: MAN2B1 is on the minus strand); deleting any 2 consecutive bases within chr19:12,663,423-12,663,426 gives the same sequence; the c. name uses the placement nearest the transcript's 3' end. VCF-style (leftmost placement, unchanged base first): chr19-12663422-GCA-G. GRCh37 (hg19) VCF-style: chr19-12774236-GCA-G.
Other names: c.802_803del, p.Cys268fs (NM_001173498.2, NM_001440570.1); short protein forms C268fs.
Identifiers: ClinVar variation 4814321 (VCV004814321.1).